The following is an entry in ClinVar:

ClinVar aggregate classification (germline): Conflicting classifications of pathogenicity. Review status: criteria provided, conflicting classifications (1 of 4 stars). 2 submissions from 2 submitters: Uncertain significance (1); Likely benign (1). Last evaluated 2024-09-20.

Conditions:
Leukodystrophy, hypomyelinating, 11. Identifiers: Orphanet 88637, MedGen C4225305, MONDO:0014666, OMIM 616494.
Treacher Collins syndrome 3 (TCS3). Also called: POLR1C-Related Treacher Collins Syndrome. Identifiers: Orphanet 861, MedGen C1855433, MONDO:0009558, OMIM 248390.

Allele frequency attached by ClinVar (database versions not stated): gnomAD 0.00002; gnomAD exomes 0.00002; TOPMed 0.00004.
gnomAD v4.1: 37 of 1,614,210 alleles (0.0023%); highest among the groups gnomAD compares: Middle Eastern, 0.41%; no homozygotes.

Submissions (2):

3billion
Classification: Likely benign for Leukodystrophy, hypomyelinating, 11; Treacher Collins syndrome 3. Last evaluated: 2024-09-20. Review status: criteria provided, single submitter. Criteria: ACMG Guidelines, 2015. Collection method: clinical testing. Allele origin: germline. Affected: no.
Comment: The homozygous variant was found in patients diagnosed with another variant in a different gene, with no symptoms related to the gene containing the homozygous variant.

Ambry Genetics
Classification: Uncertain significance. Last evaluated: 2021-10-22. Review status: criteria provided, single submitter. Criteria: Ambry Variant Classification Scheme 2023. Collection method: clinical testing. Allele origin: germline.

NM_178148.4(SLC35B2):c.896C>T (p.Ser299Leu)

Gene: SLC35B2 (solute carrier family 35 member B2; minus strand). Cytogenetic location: 6p21.1.
Variant type: single nucleotide variant.
Coding change: c.896C>T on transcript NM_178148.4 (MANE Select); coding-DNA position 896, C replaced by T.
Protein change: p.Ser299Leu; replaces serine 299 with leucine.
Molecular consequence: missense variant.
Genome position (GRCh38, 1-based): chr6:44,255,109, G>A on the plus strand (C>T on the coding strand, the complement: SLC35B2 is on the minus strand). VCF-style: chr6-44255109-G-A. GRCh37 (hg19) VCF-style: chr6-44222846-G-A.
Other names: c.881C>T, p.Ser294Leu (NM_001286509.2, NM_001286510.2); c.749C>T, p.Ser250Leu (NM_001286511.2, NM_001286512.2); c.617C>T, p.Ser206Leu (NM_001286513.2); c.581C>T, p.Ser194Leu (NM_001286517.2); c.497C>T, p.Ser166Leu (NM_001286519.2, NM_001286520.2); short protein forms S194L, S250L, S294L, S299L, S166L, S206L.
Identifiers: ClinVar variation 2302586 (VCV002302586.3), dbSNP rs868023411, ClinGen allele CA138353861.